The following is an entry in ClinVar:

NM_001276345.2(TNNT2):c.844C>T (p.Gln282Ter)

Gene: TNNT2 (troponin T2, cardiac type; minus strand). Cytogenetic location: 1q32.1.
Variant type: single nucleotide variant.
Coding change: c.844C>T on transcript NM_001276345.2 (MANE Select); coding-DNA position 844, C replaced by T.
Protein change: p.Gln282Ter; replaces glutamine 282 with a stop codon.
Molecular consequence: nonsense.
Genome position (GRCh38, 1-based): chr1:201,359,630, G>A on the plus strand (C>T on the coding strand, the complement: TNNT2 is on the minus strand). VCF-style: chr1-201359630-G-A. GRCh37 (hg19) VCF-style: chr1-201328758-G-A.
Other names: c.835C>T, p.Gln279Ter (NM_000364.4); c.814C>T, p.Gln272Ter (NM_001001430.3, NM_001276347.2); c.805C>T, p.Gln269Ter (NM_001001431.3); c.796C>T, p.Gln266Ter (NM_001001432.3); c.715C>T, p.Gln239Ter (NM_001276346.2); short protein forms Q239*, Q266*, Q269*, Q272*, Q279*, Q282*.
Identifiers: ClinVar variation 1175037 (VCV001175037.12), dbSNP rs796925245, ClinGen allele CA088451.

ClinVar aggregate classification (germline): Uncertain significance. Review status: criteria provided, multiple submitters, no conflicts (2 of 4 stars). 7 submissions from 5 submitters: Uncertain significance (5). 2 of the submissions do not count toward it. Last evaluated 2025-09-18.

Conditions:
Cardiovascular phenotype. Identifiers: MedGen CN230736.
Cardiomyopathy, familial restrictive, 3. Identifiers: Orphanet 75249, MedGen C2676271, MONDO:0012900, OMIM 612422.
Hypertrophic cardiomyopathy 2. Also called: TNNT2-Related Familial Hypertrophic Cardiomyopathy. Identifiers: MedGen C1861864, MONDO:0007266, OMIM 115195.
Dilated cardiomyopathy 1D. Identifiers: Orphanet 154, Orphanet 54260, MedGen C1832243, MONDO:0011095, OMIM 601494.

Submissions (7):

Labcorp Genetics (formerly Invitae), Labcorp
Classification: Uncertain significance for Cardiomyopathy, familial restrictive, 3; Hypertrophic cardiomyopathy 2; Dilated cardiomyopathy 1D. Last evaluated: 2025-09-18. Review status: criteria provided, single submitter. Criteria: Invitae Variant Classification Sherloc (09022015). Collection method: clinical testing. Allele origin: germline.
Comment: This sequence change creates a premature translational stop signal (p.Gln272*) in the TNNT2 gene. While this is not anticipated to result in nonsense mediated decay, it is expected to disrupt the last 17 amino acid(s) of the TNNT2 protein. This variant is not present in population databases (gnomAD no frequency). This premature translational stop signal has been observed in individuals with hypertrophic cardiomyopathy (PMID: 29661763, 30847666, 32290750, 32846832). It has also been observed to segregate with disease in related individuals. This variant is also known as p.Gln279Ter, p.Gln279*. ClinVar contains an entry for this variant (Variation ID: 1175037). In summary, the available evidence is currently insufficient to determine the role of this variant in disease. Therefore, it has been classified as a Variant of Uncertain Significance.

Genome-Nilou Lab
Classification: Uncertain significance for Dilated cardiomyopathy 1D. Last evaluated: 2023-04-11. Review status: criteria provided, single submitter. Criteria: ACMG Guidelines, 2015. Collection method: clinical testing. Allele origin: germline. Affected: no.

Genome-Nilou Lab
Classification: Uncertain significance for Cardiomyopathy, familial restrictive, 3. Last evaluated: 2023-04-11. Review status: criteria provided, single submitter. Criteria: ACMG Guidelines, 2015. Collection method: clinical testing. Allele origin: germline. Affected: no.

Genome-Nilou Lab
Classification: Uncertain significance for Hypertrophic cardiomyopathy 2. Last evaluated: 2023-04-11. Review status: criteria provided, single submitter. Criteria: ACMG Guidelines, 2015. Collection method: clinical testing. Allele origin: germline. Affected: no.

Ambry Genetics
Classification: Uncertain significance for Cardiovascular phenotype. Last evaluated: 2020-07-13. Review status: criteria provided, single submitter. Criteria: Ambry Variant Classification Scheme 2023. Collection method: clinical testing. Allele origin: germline.
Comment: The p.Q272* variant (also known as c.814C>T), located in coding exon 14 of the TNNT2 gene, results from a C to T substitution at nucleotide position 814. This changes the amino acid from a glutamine to a stop codon within coding exon 14. This variant was identified in a hypertrophic cardiomyopathy (HCM) cohort and a mixed cardiac phenotype cohort of HCM, dilated cardiomyopathy, left ventricular non-compaction, and arrhythmogenic right ventricular cardiomyopathy; however, specific clinical details were limited (van Velzen HG et al. Circ Genom Precis Med, 2018 04;11:e001896; Verhagen JMA et al. Eur. J. Hum. Genet., 2018 11;26:1603-1610). Premature stop codons are typically deleterious in nature; however, this stop codon occurs at the 3' terminus of TNNT2, is not expected to trigger nonsense-mediated mRNA decay, and impacts only the last 16amino acids of the protein. The exact functional impact of these removed amino acids is unknown at this time. In addition, loss of function of TNNT2 has not been clearly established as a mechanism of disease. Since supporting evidence is limited at this time, the clinical significance of this alteration remains unclear.

Clinical Genetics DNA and cytogenetics Diagnostics Lab, Erasmus MC, Erasmus Medical Center
Classification: Pathogenic. Review status: no assertion criteria provided. Collection method: clinical testing. Allele origin: germline. Affected: yes. Study: VKGL Data-share Consensus. Not counted in ClinVar's aggregate classification.

Diagnostic Laboratory, Department of Genetics, University Medical Center Groningen
Classification: Pathogenic. Review status: no assertion criteria provided. Collection method: clinical testing. Allele origin: germline. Affected: yes. Study: VKGL Data-share Consensus. Not counted in ClinVar's aggregate classification.

Literature cited by the submitters: PubMed 29661763 (cited by Labcorp Genetics (formerly Invitae), Labcorp and Ambry Genetics); PubMed 30847666 (cited by Labcorp Genetics (formerly Invitae), Labcorp); PubMed 32290750 (cited by Labcorp Genetics (formerly Invitae), Labcorp); PubMed 32846832 (cited by Labcorp Genetics (formerly Invitae), Labcorp); PubMed 29988065 (cited by Ambry Genetics).